The following is an entry in ClinVar:

ClinVar aggregate classification (germline): Uncertain significance (1 of 4 stars; one submission).

Submission:

Ambry Genetics
Classification: Uncertain significance. Last evaluated: 2025-02-26. Review status: criteria provided, single submitter. Criteria: Ambry Variant Classification Scheme 2023. Collection method: clinical testing. Allele origin: germline.
Comment: The p.E442Q variant (also known as c.1324G>C), located in coding exon 12 of the GEN1 gene, results from a G to C substitution at nucleotide position 1324. The glutamic acid at codon 442 is replaced by glutamine, an amino acid with highly similar properties. This amino acid position is conserved. In addition, this alteration is predicted to be tolerated by in silico analysis. Based on the available evidence, the clinical significance of this variant remains unclear.

NM_001130009.3(GEN1):c.1324G>C (p.Glu442Gln)

Gene: GEN1 (GEN1 Holliday junction 5' flap endonuclease; plus strand). Cytogenetic location: 2p24.2.
Variant type: single nucleotide variant.
Coding change: c.1324G>C on transcript NM_001130009.3 (MANE Select); coding-DNA position 1324, G replaced by C.
Protein change: p.Glu442Gln; replaces glutamic acid 442 with glutamine.
Molecular consequence: missense variant.
Genome position (GRCh38, 1-based): chr2:17,780,037, G>C. VCF-style: chr2-17780037-G-C. GRCh37 (hg19) VCF-style: chr2-17961304-G-C.
Other names: c.1324G>C, p.Glu442Gln (NM_182625.5); short protein forms E442Q.
Identifiers: ClinVar variation 3853596 (VCV003853596.1).